The following is an entry in ClinVar:

ClinVar aggregate classification (germline): Uncertain significance. Review status: criteria provided, multiple submitters, no conflicts (2 of 4 stars). 2 submissions from 2 submitters: Uncertain significance (2). Last evaluated 2025-09-17.

Conditions:
Primary dilated cardiomyopathy (DCM). Also called: Dilated Cardiomyopathy. Identifiers: Orphanet 217604, MedGen C0007193, MeSH D002311, MONDO:0005021, HP:0001644. Inheritance: Various modes of inheritance.
Cardiovascular phenotype. Identifiers: MedGen CN230736.

Allele frequency attached by ClinVar (database versions not stated): gnomAD exomes below 0.00001; TOPMed 0.00002.
gnomAD v4.1: 1 of 1,612,864 alleles (0.000062%); highest among the groups gnomAD compares: African/African-American, 0.0013%; no homozygotes.

Submissions (2):

Ambry Genetics
Classification: Uncertain significance for Cardiovascular phenotype. Last evaluated: 2025-09-17. Review status: criteria provided, single submitter. Criteria: Ambry Variant Classification Scheme 2023. Collection method: clinical testing. Allele origin: germline.
Comment: The c.1445+5G>C intronic variant results from a G to C substitution 5 nucleotides after coding exon 16 in the TXNRD2 gene. This nucleotide position is highly conserved in available vertebrate species. In silico splice site analysis predicts that this alteration may weaken the native splice donor site. The evidence for this gene-disease relationship is limited; therefore, the clinical significance of this alteration is unclear.

Labcorp Genetics (formerly Invitae), Labcorp
Classification: Uncertain significance for Primary dilated cardiomyopathy. Last evaluated: 2024-04-25. Review status: criteria provided, single submitter. Criteria: Invitae Variant Classification Sherloc (09022015). Collection method: clinical testing. Allele origin: germline.
Comment: This sequence change falls in intron 16 of the TXNRD2 gene. It does not directly change the encoded amino acid sequence of the TXNRD2 protein. It affects a nucleotide within the consensus splice site. This variant is not present in population databases (gnomAD no frequency). This variant has not been reported in the literature in individuals affected with TXNRD2-related conditions. ClinVar contains an entry for this variant (Variation ID: 2564291). Variants that disrupt the consensus splice site are a relatively common cause of aberrant splicing (PMID: 17576681, 9536098). Algorithms developed to predict the effect of sequence changes on RNA splicing suggest that this variant may disrupt the consensus splice site. In summary, the available evidence is currently insufficient to determine the role of this variant in disease. Therefore, it has been classified as a Variant of Uncertain Significance.

Literature cited by the submitters: PubMed 17576681 (cited by Labcorp Genetics (formerly Invitae), Labcorp); PubMed 9536098 (cited by Labcorp Genetics (formerly Invitae), Labcorp).

NM_006440.5(TXNRD2):c.1445+5G>C

Gene: TXNRD2 (thioredoxin reductase 2; minus strand). Cytogenetic location: 22q11.21.
Variant type: single nucleotide variant.
Coding change: c.1445+5G>C on transcript NM_006440.5 (MANE Select); 5 bases into the intron after coding-DNA position 1445, G replaced by C.
Molecular consequence: intron variant.
Genome position (GRCh38, 1-based): chr22:19,878,085, C>G on the plus strand (G>C on the coding strand, the complement: TXNRD2 is on the minus strand). VCF-style: chr22-19878085-C-G. GRCh37 (hg19) VCF-style: chr22-19865608-C-G.
Other names: c.1442+5G>C (NM_001352300.2); c.1157+5G>C (NM_001352302.2); c.1355+5G>C (NM_001352301.2).
Identifiers: ClinVar variation 2564291 (VCV002564291.5), dbSNP rs918021854, ClinGen allele CA2396083559.